The following is an entry in ClinVar:

ClinVar aggregate classification (germline): Uncertain significance (1 of 4 stars; one submission).

Allele frequency attached by ClinVar (database versions not stated): gnomAD exomes below 0.00001; TOPMed below 0.00001; ExAC 0.00001; gnomAD 0.00001.
gnomAD v4.1: 6 of 1,614,028 alleles (0.00037%); highest among the groups gnomAD compares: African/African-American, 0.0027%; no homozygotes.

Submission:

Labcorp Genetics (formerly Invitae), Labcorp
Classification: Uncertain significance. Last evaluated: 2025-04-13. Review status: criteria provided, single submitter. Criteria: Invitae Variant Classification Sherloc (09022015). Collection method: clinical testing. Allele origin: germline.
Comment: This sequence change replaces alanine, which is neutral and non-polar, with valine, which is neutral and non-polar, at codon 541 of the DNM1L protein (p.Ala541Val). This variant is present in population databases (rs768489890, gnomAD 0.006%). This variant has not been reported in the literature in individuals affected with DNM1L-related conditions. ClinVar contains an entry for this variant (Variation ID: 2044250). An algorithm developed to predict the effect of missense changes on protein structure and function (PolyPhen-2) suggests that this variant is likely to be tolerated. In summary, the available evidence is currently insufficient to determine the role of this variant in disease. Therefore, it has been classified as a Variant of Uncertain Significance.

NM_012062.5(DNM1L):c.1622C>T (p.Ala541Val)

Gene: DNM1L (dynamin 1 like; plus strand). Cytogenetic location: 12p11.21.
Variant type: single nucleotide variant.
Coding change: c.1622C>T on transcript NM_012062.5 (MANE Select); coding-DNA position 1622, C replaced by T.
Protein change: p.Ala541Val; replaces alanine 541 with valine.
Molecular consequence: missense variant. On other transcripts: intron variant (3).
Genome position (GRCh38, 1-based): chr12:32,737,890, C>T. VCF-style: chr12-32737890-C-T. GRCh37 (hg19) VCF-style: chr12-32890824-C-T.
Other names: c.1622C>T, p.Ala541Val (NM_001278463.2); c.1661C>T, p.Ala554Val (NM_001278464.2, NM_001278465.2); c.1013C>T, p.Ala338Val (NM_001278466.2); c.1635+729C>T (NM_001330380.2); c.1597-374C>T (NM_012063.4); c.1596+729C>T (NM_005690.5); short protein forms A541V, A554V, A338V.
Identifiers: ClinVar variation 2044250 (VCV002044250.4), dbSNP rs768489890, ClinGen allele CA6507628.
Genomic context (GRCh38, chr12:32,737,890, plus strand): 5'-TGATTTTTTTTCCCCCCTGGATTTTTTGCCTTTAGTCTTCTAAAGTTCCAAGTGCTTTGG[C>T]ACCTGCCTCCCAGGAGCCCTCCCCCGCTGCTTCTGCTGAGGCTGATGGCAAGGTCTGTTC-3'
Protein context (NP_036192.2, residues 531-551): DKSSKVPSAL[Ala541Val]PASQEPSPAA